The following is an entry in ClinVar:

ClinVar aggregate classification (germline): Uncertain significance. Review status: criteria provided, multiple submitters, no conflicts (2 of 4 stars). 2 submissions from 2 submitters: Uncertain significance (2). Last evaluated 2024-10-22.

Conditions:
Hereditary cancer-predisposing syndrome. Also called: Hereditary Cancer Syndrome; Hereditary neoplastic syndrome; Neoplastic Syndromes, Hereditary; Tumor predisposition. Identifiers: Orphanet 140162, MedGen C0027672, MeSH D009386, MONDO:0015356.
Ataxia-telangiectasia syndrome (AT). Also called: Ataxia-telangiectasia, complementation group E; LOUIS-BAR SYNDROME; Cerebello-oculocutaneous telangiectasia; Immunodeficiency with ataxia telangiectasia; Ataxia-telangiectasia, complementation group D; AT, COMPLEMENTATION GROUP C. Identifiers: Orphanet 100, MedGen C0004135, MONDO:0008840, OMIM 208900.

Allele frequency attached by ClinVar (database versions not stated): gnomAD exomes below 0.00001.
gnomAD v4.1: 3 of 1,613,146 alleles (0.00019%); highest among the groups gnomAD compares: Non-Finnish European, 0.00025%; no homozygotes.

Submissions (2):

Labcorp Genetics (formerly Invitae), Labcorp
Classification: Uncertain significance for Ataxia-telangiectasia syndrome. Last evaluated: 2024-10-22. Review status: criteria provided, single submitter. Criteria: Invitae Variant Classification Sherloc (09022015). Collection method: clinical testing. Allele origin: germline.
Comment: This sequence change replaces arginine, which is basic and polar, with serine, which is neutral and polar, at codon 1032 of the ATM protein (p.Arg1032Ser). RNA analysis indicates that this missense change induces altered splicing and may result in an absent or altered protein product. This variant is not present in population databases (gnomAD no frequency). This variant has not been reported in the literature in individuals affected with ATM-related conditions. ClinVar contains an entry for this variant (Variation ID: 925548). Invitae Evidence Modeling of protein sequence and biophysical properties (such as structural, functional, and spatial information, amino acid conservation, physicochemical variation, residue mobility, and thermodynamic stability) indicates that this missense variant is not expected to disrupt ATM protein function with a negative predictive value of 95%. Studies have shown that this missense change results in skipping of exon 21, and produces a non-functional protein and/or introduces a premature termination codon (internal data). In summary, the available evidence is currently insufficient to determine the role of this variant in disease. Therefore, it has been classified as a Variant of Uncertain Significance.

Color Diagnostics, LLC DBA Color Health
Classification: Uncertain significance for Hereditary cancer-predisposing syndrome. Last evaluated: 2024-03-06. Review status: criteria provided, single submitter. Criteria: ACMG Guidelines, 2015. Collection method: clinical testing. Allele origin: germline.
Comment: This missense variant replaces arginine with serine at codon 1032 of the ATM protein. Computational prediction tool suggests that this variant may not impact protein structure and function (internally defined REVEL score threshold <=0.5, PMID: 27666373). Splice site prediction tools suggest that this variant may not impact RNA splicing. To our knowledge, functional studies have not been performed for this variant. This variant has not been reported in individuals affected with hereditary cancer in the literature. This variant has not been identified in the general population by the Genome Aggregation Database (gnomAD). The available evidence is insufficient to determine the role of this variant in disease conclusively. Therefore, this variant is classified as a Variant of Uncertain Significance.

NM_000051.4(ATM):c.3096G>T (p.Arg1032Ser)

Gene: ATM (ATM serine/threonine kinase; plus strand). Cytogenetic location: 11q22.3.
Variant type: single nucleotide variant.
Coding change: c.3096G>T on transcript NM_000051.4 (MANE Select); coding-DNA position 3096, G replaced by T.
Protein change: p.Arg1032Ser; replaces arginine 1032 with serine.
Molecular consequence: missense variant.
Genome position (GRCh38, 1-based): chr11:108,272,550, G>T. VCF-style: chr11-108272550-G-T. GRCh37 (hg19) VCF-style: chr11-108143277-G-T.
Other names: c.3096G>T, p.Arg1032Ser (NM_001351834.2); short protein forms R1032S.
Identifiers: ClinVar variation 925548 (VCV000925548.6), dbSNP rs1555085805, ClinGen allele CA382515077.